The following is an entry in ClinVar:

NM_000214.3(JAG1):c.2510A>G (p.Asp837Gly)

Gene: JAG1 (jagged canonical Notch ligand 1; minus strand). Cytogenetic location: 20p12.2.
Variant type: single nucleotide variant.
Coding change: c.2510A>G on transcript NM_000214.3 (MANE Select); coding-DNA position 2510, A replaced by G.
Protein change: p.Asp837Gly; replaces aspartic acid 837 with glycine.
Molecular consequence: missense variant.
Genome position (GRCh38, 1-based): chr20:10,642,550, T>C on the plus strand (A>G on the coding strand, the complement: JAG1 is on the minus strand). VCF-style: chr20-10642550-T-C. GRCh37 (hg19) VCF-style: chr20-10623198-T-C.
Other names: short protein forms D837G.
Identifiers: ClinVar variation 4074667 (VCV004074667.2).

ClinVar aggregate classification (germline): Uncertain significance. Review status: criteria provided, multiple submitters, no conflicts (2 of 4 stars). 2 submissions from 2 submitters: Uncertain significance (2). Last evaluated 2025-11-26.

Conditions:
Cardiovascular phenotype. Identifiers: MedGen CN230736.

Submissions (2):

Ambry Genetics
Classification: Uncertain significance for Cardiovascular phenotype. Last evaluated: 2025-11-26. Review status: criteria provided, single submitter. Criteria: Ambry Variant Classification Scheme 2023. Collection method: clinical testing. Allele origin: germline.

GeneDx
Classification: Uncertain significance. Last evaluated: 2025-02-07. Review status: criteria provided, single submitter. Criteria: GeneDx Variant Classification Process June 2021. Collection method: clinical testing. Allele origin: germline. Affected: yes.
Comment: Not observed at significant frequency in large population cohorts (gnomAD); In silico analysis supports that this missense variant has a deleterious effect on protein structure/function; Has not been previously published as pathogenic or benign to our knowledge